The following is an entry in ClinVar:

ClinVar aggregate classification (germline): Conflicting classifications of pathogenicity. Review status: criteria provided, conflicting classifications (1 of 4 stars). 2 submissions from 2 submitters: Pathogenic (1); Uncertain significance (1). Last evaluated 2024-10-08.

Conditions:
Cataract 14 multiple types. Also called: CATARACT 14, ZONULAR PULVERULENT; CATARACT 14, NUCLEAR PULVERULENT; CATARACT 14, NUCLEAR PULVERULENT AND POSTERIOR POLAR; CATARACT 14, NUCLEAR CORALLIFORM; CATARACT 14, EMBRYONAL NUCLEAR; CATARACT 14, COPPOCK-LIKE. Identifiers: Orphanet 91492, MedGen C1866078, MONDO:0011162, OMIM 601885.

gnomAD v4.1: 1 of 1,581,928 alleles (0.000063%); no homozygotes.

Submissions (2):

Labcorp Genetics (formerly Invitae), Labcorp
Classification: Pathogenic for Cataract 14 multiple types. Last evaluated: 2024-10-08. Review status: criteria provided, single submitter. Criteria: Invitae Variant Classification Sherloc (09022015). Collection method: clinical testing. Allele origin: germline.
Comment: This sequence change replaces valine, which is neutral and non-polar, with methionine, which is neutral and non-polar, at codon 28 of the GJA3 protein (p.Val28Met). This variant is not present in population databases (gnomAD no frequency). This missense change has been observed in individuals with clinical features of autosomal dominant congenital cataract (PMID: 16254549; internal data). It has also been observed to segregate with disease in related individuals. ClinVar contains an entry for this variant (Variation ID: 468544). Invitae Evidence Modeling of protein sequence and biophysical properties (such as structural, functional, and spatial information, amino acid conservation, physicochemical variation, residue mobility, and thermodynamic stability) indicates that this missense variant is expected to disrupt GJA3 protein function with a positive predictive value of 95%. This variant disrupts the p.Val28 amino acid residue in GJA3. Other variant(s) that disrupt this residue have been observed in individuals with GJA3-related conditions (PMID: 32384692), which suggests that this may be a clinically significant amino acid residue. For these reasons, this variant has been classified as Pathogenic.

Dept. Genetics and Cancer, Menzies Institute for Medical Research, University of Tasmania
Classification: Uncertain significance for Cataract 14 multiple types. Last evaluated: 2023-01-21. Review status: criteria provided, single submitter. Criteria: ACMG Guidelines, 2015. Collection method: curation. Allele origin: germline. Affected: yes.
Comment: Variant identified and curated during a GJA3 specific review of the literature in relation to pediatric or congenital cataract. ACMG-AMP criteria applied: PM1, PM2(Supporting), PP1, PP3. Original variant report: PMID:16254549. The cataract phenotype/s reported for this variant are: Varied: total, or posterior cortical and anterior capsule, or peripheral cortical. Gene review and curation guidelines are outlined in: DOI 10.1080/17469899.2023.2160320

Literature cited by the submitters: PubMed 16254549 (cited by Labcorp Genetics (formerly Invitae), Labcorp and Dept. Genetics and Cancer, Menzies Institute for Medical Research, University of Tasmania); PubMed 32384692 (cited by Labcorp Genetics (formerly Invitae), Labcorp).

NM_021954.4(GJA3):c.82G>A (p.Val28Met)

Gene: GJA3 (gap junction protein alpha 3; minus strand). Cytogenetic location: 13q12.11.
Variant type: single nucleotide variant.
Coding change: c.82G>A on transcript NM_021954.4 (MANE Select); coding-DNA position 82, G replaced by A.
Protein change: p.Val28Met; replaces valine 28 with methionine.
Molecular consequence: missense variant.
Genome position (GRCh38, 1-based): chr13:20,143,207, C>T on the plus strand (G>A on the coding strand, the complement: GJA3 is on the minus strand). VCF-style: chr13-20143207-C-T. GRCh37 (hg19) VCF-style: chr13-20717346-C-T.
Other names: short protein forms V28M.
Identifiers: ClinVar variation 468544 (VCV000468544.8), dbSNP rs1555339539, ClinGen allele CA387465792.